The following is an entry in ClinVar:

ClinVar aggregate classification (germline): Uncertain significance (1 of 4 stars; one submission).

Submission:

Labcorp Genetics (formerly Invitae), Labcorp
Classification: Uncertain significance. Last evaluated: 2024-10-17. Review status: criteria provided, single submitter. Criteria: Invitae Variant Classification Sherloc (09022015). Collection method: clinical testing. Allele origin: germline.
Comment: This sequence change replaces glutamine, which is neutral and polar, with histidine, which is basic and polar, at codon 1428 of the DOCK6 protein (p.Gln1428His). This variant is not present in population databases (gnomAD no frequency). This variant has not been reported in the literature in individuals affected with DOCK6-related conditions. ClinVar contains an entry for this variant (Variation ID: 1354071). Invitae Evidence Modeling of protein sequence and biophysical properties (such as structural, functional, and spatial information, amino acid conservation, physicochemical variation, residue mobility, and thermodynamic stability) indicates that this missense variant is expected to disrupt DOCK6 protein function with a positive predictive value of 80%. In summary, the available evidence is currently insufficient to determine the role of this variant in disease. Therefore, it has been classified as a Variant of Uncertain Significance.

NM_020812.4(DOCK6):c.4284G>C (p.Gln1428His)

Genes: DOCK6 (dedicator of cytokinesis 6; minus strand), DOCK6-AS1 (DOCK6 antisense RNA 1; plus strand). Cytogenetic location: 19p13.2.
Variant type: single nucleotide variant.
Coding change: c.4284G>C on transcript NM_020812.4 (MANE Select); coding-DNA position 4284, G replaced by C.
Protein change: p.Gln1428His; replaces glutamine 1428 with histidine.
Molecular consequence: missense variant.
Genome position (GRCh38, 1-based): chr19:11,214,329, C>G on the plus strand (G>C on the coding strand, the complement: DOCK6 is on the minus strand). VCF-style: chr19-11214329-C-G. GRCh37 (hg19) VCF-style: chr19-11325005-C-G.
Other names: c.4389G>C, p.Gln1463His (NM_001367830.1); short protein forms Q1428H, Q1463H.
Identifiers: ClinVar variation 1354071 (VCV001354071.8), dbSNP rs2147755277, ClinGen allele CA404083353.